The following is an entry in ClinVar:

ClinVar aggregate classification (germline): Likely pathogenic. Review status: criteria provided, single submitter (1 of 4 stars). 2 submissions from 1 submitter: Likely pathogenic (2). Last evaluated 2020-08-03.

Conditions:
Congenital stationary night blindness 1C. Also called: Night blindness, congenital stationary (complete), 1C, autosomal recessive. Identifiers: Orphanet 215, MedGen C2750747, MONDO:0013183, OMIM 613216.
Intellectual disability. Also called: intellectual disabilities; Intellectual developmental disorder; Intellectual functioning disability. Identifiers: MedGen C3714756, MeSH D008607, MONDO:0001071, HP:0001249.

Submissions (2):

Institute of Human Genetics, University of Leipzig Medical Center
Classification: Likely pathogenic for Intellectual disability. Last evaluated: 2020-08-03. Review status: criteria provided, single submitter. Criteria: ACMG Guidelines, 2015. Collection method: clinical testing. Allele origin: de novo. Affected: yes.

Institute of Human Genetics, University of Leipzig Medical Center
Classification: Likely pathogenic for Congenital stationary night blindness 1C. Last evaluated: 2019-01-01. Review status: criteria provided, single submitter. Criteria: ACMG Guidelines, 2015. Collection method: clinical testing. Allele origin: unknown. Affected: yes.

NM_001252024.2(TRPM1):c.1623+1G>A

Gene: TRPM1 (transient receptor potential cation channel subfamily M member 1; minus strand). Cytogenetic location: 15q13.3.
Variant type: single nucleotide variant.
Coding change: c.1623+1G>A on transcript NM_001252024.2 (MANE Select); the canonical splice donor site of the intron after coding-DNA position 1623, G replaced by A.
Molecular consequence: splice donor variant.
Genome position (GRCh38, 1-based): chr15:31,047,888, C>T on the plus strand (G>A on the coding strand, the complement: TRPM1 is on the minus strand). VCF-style: chr15-31047888-C-T. GRCh37 (hg19) VCF-style: chr15-31340091-C-T.
Other names: c.1674+1G>A (NM_001252020.2); c.1557+1G>A (NM_002420.6).
Identifiers: ClinVar variation 977607 (VCV000977607.2), dbSNP rs2033825467, ClinGen allele CA391515691.